The following is an entry in ClinVar:

NM_013275.6(ANKRD11):c.-17G>A

Gene: ANKRD11 (ankyrin repeat domain 11; minus strand). Cytogenetic location: 16q24.3.
Variant type: single nucleotide variant.
Coding change: c.-17G>A on transcript NM_013275.6 (MANE Select); 17 bases upstream of the start codon, G replaced by A.
Molecular consequence: 5 prime UTR variant. On other transcripts: non-coding transcript variant (1).
Genome position (GRCh38, 1-based): chr16:89,317,036, C>T on the plus strand (G>A on the coding strand, the complement: ANKRD11 is on the minus strand). VCF-style: chr16-89317036-C-T. GRCh37 (hg19) VCF-style: chr16-89383444-C-T.
Other names: c.-17G>A (NM_001256182.2, NM_001256183.2).
Identifiers: ClinVar variation 2176783 (VCV002176783.4), dbSNP rs375769022, ClinGen allele CA8243297.

ClinVar aggregate classification (germline): Uncertain significance (1 of 4 stars; one submission).

Conditions:
KBG syndrome (KBGS). Also called: ANKRD11-Related KBG Syndrome. Identifiers: Orphanet 2332, MedGen C0220687, MONDO:0007846, OMIM 148050.

Allele frequency attached by ClinVar (database versions not stated): gnomAD 0.00001; ESP Exome Variant Server 0.00008.
gnomAD v4.1: 11 of 1,610,956 alleles (0.00068%); highest among the groups gnomAD compares: Admixed American, 0.0017%; no homozygotes.

Submission:

Labcorp Genetics (formerly Invitae), Labcorp
Classification: Uncertain significance for KBG syndrome. Last evaluated: 2022-10-17. Review status: criteria provided, single submitter. Criteria: Invitae Variant Classification Sherloc (09022015). Collection method: clinical testing. Allele origin: germline.
Comment: Algorithms developed to predict the effect of sequence changes on RNA splicing suggest that this variant may create or strengthen a splice site. This variant has not been reported in the literature in individuals affected with ANKRD11-related conditions. This variant is present in population databases (rs375769022, gnomAD 0.006%). This variant occurs in a non-coding region of the ANKRD11 gene. It does not change the encoded amino acid sequence of the ANKRD11 protein. In summary, the available evidence is currently insufficient to determine the role of this variant in disease. Therefore, it has been classified as a Variant of Uncertain Significance.